The following is an entry in ClinVar:

NM_025114.4(CEP290):c.4187_4190dup (p.Asn1397fs)

Gene: CEP290 (centrosomal protein 290; minus strand). Cytogenetic location: 12q21.32.
Variant type: Duplication.
Coding change: c.4187_4190dup on transcript NM_025114.4 (MANE Select); coding-DNA positions 4187 to 4190, 4 bases duplicated (AGAA; older notation c.4187_4190dupAGAA).
Protein change: p.Asn1397fs; shifts the reading frame from asparagine 1397.
Molecular consequence: frameshift variant.
Genome position (GRCh38, 1-based): chr12:88,087,784-88,087,787, TTCT duplicated on the plus strand (AGAA on the coding strand, the reverse complement: CEP290 is on the minus strand). VCF-style (leftmost placement, unchanged base first): chr12-88087783-G-GTTCT. GRCh37 (hg19) VCF-style: chr12-88481560-G-GTTCT.
Other names: short protein forms N1397fs.
Identifiers: ClinVar variation 5014432 (VCV005014432.1).

ClinVar aggregate classification (germline): Pathogenic (1 of 4 stars; one submission).

Conditions:
CEP290-related ciliopathy. Also called: CEP290 ciliopathy. Identifiers: MedGen CN305601, MONDO:0100451.

Submission:

Myriad Genetics, Inc.
Classification: Pathogenic for CEP290-related ciliopathy. Last evaluated: 2025-05-13. Review status: criteria provided, single submitter. Criteria: Myriad Autosomal Dominant, Autosomal Recessive and X-Linked Classification Criteria (2023). Collection method: clinical testing. Allele origin: unknown.
Comment: NM_025114.3(CEP290):c.4187_4190dupAGAA(N1397Kfs*6) is expected to be pathogenic in the context of CEP290-related disorders. This variant is predicted to lead to an abnormal or absent protein product due to the creation of a premature termination codon in CEP290, a gene where loss-of-function variants are known to be pathogenic. Please note: this variant was assessed in the context of healthy population screening.